The following is an entry in ClinVar:

ClinVar aggregate classification (germline): Uncertain significance (1 of 4 stars; one submission).

Allele frequency attached by ClinVar (database versions not stated): TOPMed below 0.00001; gnomAD 0.00001; gnomAD exomes 0.00001.
gnomAD v4.1: 7 of 1,613,652 alleles (0.00043%); highest among the groups gnomAD compares: East Asian, 0.011%; no homozygotes.

Submission:

Labcorp Genetics (formerly Invitae), Labcorp
Classification: Uncertain significance. Last evaluated: 2024-01-13. Review status: criteria provided, single submitter. Criteria: Invitae Variant Classification Sherloc (09022015). Collection method: clinical testing. Allele origin: germline.
Comment: This sequence change replaces isoleucine, which is neutral and non-polar, with valine, which is neutral and non-polar, at codon 547 of the PDE8B protein (p.Ile547Val). This variant is not present in population databases (gnomAD no frequency). This variant has not been reported in the literature in individuals affected with PDE8B-related conditions. Algorithms developed to predict the effect of missense changes on protein structure and function output the following: SIFT: "Not Available"; PolyPhen-2: "Benign"; Align-GVGD: "Not Available". The valine amino acid residue is found in multiple mammalian species, which suggests that this missense change does not adversely affect protein function. In summary, the available evidence is currently insufficient to determine the role of this variant in disease. Therefore, it has been classified as a Variant of Uncertain Significance.

NM_003719.5(PDE8B):c.1639A>G (p.Ile547Val)

Gene: PDE8B (phosphodiesterase 8B; plus strand). Cytogenetic location: 5q13.3.
Variant type: single nucleotide variant.
Coding change: c.1639A>G on transcript NM_003719.5 (MANE Select); coding-DNA position 1639, A replaced by G.
Protein change: p.Ile547Val; replaces isoleucine 547 with valine.
Molecular consequence: missense variant.
Genome position (GRCh38, 1-based): chr5:77,412,162, A>G. VCF-style: chr5-77412162-A-G. GRCh37 (hg19) VCF-style: chr5-76707987-A-G.
Other names: c.1348A>G, p.Ile450Val (NM_001029851.4); c.1474A>G, p.Ile492Val (NM_001029852.4); c.1579A>G, p.Ile527Val (NM_001029853.4); c.1498A>G, p.Ile500Val (NM_001029854.4); c.1636A>G, p.Ile546Val (NM_001349748.3, NM_001349751.3); c.1702A>G, p.Ile568Val (NM_001349749.3); c.1399A>G, p.Ile467Val (NM_001349750.3); c.1333A>G, p.Ile445Val (NM_001349752.3); and 12 more; short protein forms I399V, I423V, I445V, I527V, I546V, I568V, I326V, I497V.
Identifiers: ClinVar variation 2803401 (VCV002803401.3), dbSNP rs1326281574, ClinGen allele CA360179837.
Genomic context (GRCh38, chr5:77,412,162, plus strand): 5'-GTGCACCAGAGTCACAGTCACCTTGCAATGCCAATAACCATCAATGATGTTCCCCCTTGT[A>G]TCTCTCAATTACTTGATAATGAGGAGAGTTGGGACTTCAACATCTTTGAATTGGAAGCCA-3'
Protein context (NP_003710.1, residues 537-557): PITINDVPPC[Ile547Val]SQLLDNEESW